The following is an entry in ClinVar:

ClinVar aggregate classification (germline): Uncertain significance (1 of 4 stars; one submission).

gnomAD v4.1: 4 of 1,614,096 alleles (0.00025%); highest among the groups gnomAD compares: Non-Finnish European, 0.00034%; no homozygotes.

Submission:

GeneDx
Classification: Uncertain significance. Last evaluated: 2025-05-12. Review status: criteria provided, single submitter. Criteria: GeneDx Variant Classification Process June 2021. Collection method: clinical testing. Allele origin: germline. Affected: yes.
Comment: Not observed at significant frequency in large population cohorts (gnomAD); In silico analysis suggests that this missense variant does not alter protein structure/function; Has not been previously published as pathogenic or benign to our knowledge

NM_152564.5(VPS13B):c.11915T>C (p.Val3972Ala)

Gene: VPS13B (vacuolar protein sorting 13 homolog B; plus strand). Cytogenetic location: 8q22.2.
Variant type: single nucleotide variant.
Coding change: c.11915T>C on transcript NM_152564.5 (MANE Select); coding-DNA position 11915, T replaced by C.
Protein change: p.Val3972Ala; replaces valine 3972 with alanine.
Molecular consequence: missense variant.
Genome position (GRCh38, 1-based): chr8:99,875,587, T>C. VCF-style: chr8-99875587-T-C. GRCh37 (hg19) VCF-style: chr8-100887815-T-C.
Other names: c.11990T>C, p.Val3997Ala (NM_017890.5); short protein forms V3972A, V3997A.
Identifiers: ClinVar variation 4529871 (VCV004529871.1).